The following is an entry in ClinVar:

ClinVar aggregate classification (germline): Uncertain significance. Review status: criteria provided, multiple submitters, no conflicts (2 of 4 stars). 2 submissions from 2 submitters: Uncertain significance (2). Last evaluated 2026-01-04.

Conditions:
Inborn genetic diseases. Identifiers: MedGen C0950123, MeSH D030342.
Dyskeratosis congenita, autosomal dominant 6 (DKCA6). Identifiers: Orphanet 3322, MedGen C4225284, MONDO:0014690, OMIM 616553.

Submissions (2):

Labcorp Genetics (formerly Invitae), Labcorp
Classification: Uncertain significance for Dyskeratosis congenita, autosomal dominant 6. Last evaluated: 2026-01-04. Review status: criteria provided, single submitter. Criteria: Invitae Variant Classification Sherloc (09022015). Collection method: clinical testing. Allele origin: germline.
Comment: This sequence change replaces glutamine, which is neutral and polar, with lysine, which is basic and polar, at codon 41 of the ACD protein (p.Gln41Lys). This variant is not present in population databases (gnomAD no frequency). This variant has not been reported in the literature in individuals affected with ACD-related conditions. ClinVar contains an entry for this variant (Variation ID: 1752624). An algorithm developed to predict the effect of missense changes on protein structure and function (PolyPhen-2) suggests that this variant is likely to be tolerated. In summary, the available evidence is currently insufficient to determine the role of this variant in disease. Therefore, it has been classified as a Variant of Uncertain Significance.

Ambry Genetics
Classification: Uncertain significance for Inborn genetic diseases. Last evaluated: 2023-10-26. Review status: criteria provided, single submitter. Criteria: Ambry Variant Classification Scheme 2023. Collection method: clinical testing. Allele origin: germline.
Comment: The p.Q41K variant (also known as c.121C>A), located in coding exon 1 of the ACD gene, results from a C to A substitution at nucleotide position 121. The glutamine at codon 41 is replaced by lysine, an amino acid with similar properties. This amino acid position is conserved. In addition, this alteration is predicted to be tolerated by in silico analysis. Since supporting evidence is limited at this time, the clinical significance of this alteration remains unclear.

NC_000016.10:g.67660358G>T

Genes: ACD (ACD shelterin complex subunit and telomerase recruitment factor; minus strand), LOC130059224 (ATAC-STARR-seq lymphoblastoid silent region 7617; plus strand). Cytogenetic location: 16q22.1.
Variant type: single nucleotide variant.
Genome position: GRCh38 VCF-style: chr16-67660358-G-T. GRCh37 (hg19) VCF-style: chr16-67694261-G-T.
Other names: short protein forms Q41K.
Identifiers: ClinVar variation 1752624 (VCV001752624.44), dbSNP rs1347436636, ClinGen allele CA396359697.